The following is an entry in ClinVar:

ClinVar aggregate classification (germline): Uncertain significance (1 of 4 stars; one submission).

Conditions:
Cole-Carpenter syndrome 1 (CLCRP1). Also called: BONE FRAGILITY WITH CRANIOSYNOSTOSIS, OCULAR PROPTOSIS, HYDROCEPHALUS, AND DISTINCTIVE FACIAL FEATURES. Identifiers: Orphanet 2050, MedGen C4317154, MONDO:0007204, OMIM 112240.

Submission:

Juno Genomics, Hangzhou Juno Genomics, Inc
Classification: Uncertain significance for Cole-Carpenter syndrome 1. Review status: criteria provided, single submitter. Criteria: ACMG Guidelines, 2015. Collection method: clinical testing. Allele origin: germline.
Comment: Absent from controls (or at extremely low frequency if recessive) in Genome Aggregation Database.

NM_000918.4(P4HB):c.284dup (p.Val96fs)

Gene: P4HB (prolyl 4-hydroxylase subunit beta; minus strand). Cytogenetic location: 17q25.3.
Variant type: Duplication.
Coding change: c.284dup on transcript NM_000918.4 (MANE Select); coding-DNA position 284, one base duplicated (G; older notation c.284dupG).
Protein change: p.Val96fs; shifts the reading frame from valine 96.
Molecular consequence: frameshift variant.
Genome position (GRCh38, 1-based): chr17:81,859,249, C duplicated on the plus strand (G on the coding strand, the reverse complement: P4HB is on the minus strand); the first of 2 consecutive C bases (chr17:81,859,249-81,859,250); duplicating either gives the same sequence. VCF-style (leftmost placement, unchanged base first): chr17-81859248-G-GC. GRCh37 (hg19) VCF-style: chr17-79817124-G-GC.
Other names: short protein forms V96fs.
Identifiers: ClinVar variation 5019007 (VCV005019007.2).